The following is an entry in ClinVar:

ClinVar aggregate classification (germline): Uncertain significance (1 of 4 stars; one submission).

Submission:

Labcorp Genetics (formerly Invitae), Labcorp
Classification: Uncertain significance. Last evaluated: 2022-03-13. Review status: criteria provided, single submitter. Criteria: Invitae Variant Classification Sherloc (09022015). Collection method: clinical testing. Allele origin: germline.
Comment: In summary, the available evidence is currently insufficient to determine the role of this variant in disease. Therefore, it has been classified as a Variant of Uncertain Significance. Algorithms developed to predict the effect of missense changes on protein structure and function (SIFT, PolyPhen-2, Align-GVGD) all suggest that this variant is likely to be tolerated. This variant has not been reported in the literature in individuals affected with EFTUD2-related conditions. This variant is not present in population databases (gnomAD no frequency). This sequence change replaces serine, which is neutral and polar, with asparagine, which is neutral and polar, at codon 364 of the EFTUD2 protein (p.Ser364Asn).

NM_004247.4(EFTUD2):c.1091G>A (p.Ser364Asn)

Gene: EFTUD2 (elongation factor Tu GTP binding domain containing 2; minus strand). Cytogenetic location: 17q21.31.
Variant type: single nucleotide variant.
Coding change: c.1091G>A on transcript NM_004247.4 (MANE Select); coding-DNA position 1091, G replaced by A.
Protein change: p.Ser364Asn; replaces serine 364 with asparagine.
Molecular consequence: missense variant.
Genome position (GRCh38, 1-based): chr17:44,867,865, C>T on the plus strand (G>A on the coding strand, the complement: EFTUD2 is on the minus strand). VCF-style: chr17-44867865-C-T. GRCh37 (hg19) VCF-style: chr17-42945233-C-T.
Other names: c.986G>A, p.Ser329Asn (NM_001142605.2); c.1091G>A, p.Ser364Asn (NM_001258353.2); c.1061G>A, p.Ser354Asn (NM_001258354.2); short protein forms S329N, S354N, S364N.
Identifiers: ClinVar variation 2110842 (VCV002110842.4), dbSNP rs989683167, ClinGen allele CA290991988.